The following is an entry in ClinVar:

NM_024852.4(AGO3):c.1209G>A (p.Arg403=)

Gene: AGO3 (argonaute RISC catalytic component 3; plus strand). Cytogenetic location: 1p34.3.
Variant type: single nucleotide variant.
Coding change: c.1209G>A on transcript NM_024852.4 (MANE Select); coding-DNA position 1209, G replaced by A.
Protein change: p.Arg403=; no amino-acid change (arginine 403 retained).
Molecular consequence: synonymous variant.
Genome position (GRCh38, 1-based): chr1:36,013,689, G>A. VCF-style: chr1-36013689-G-A. GRCh37 (hg19) VCF-style: chr1-36479290-G-A.
Other names: c.507G>A, p.Arg169= (NM_177422.3).
Identifiers: ClinVar variation 774393 (VCV000774393.29), dbSNP rs41267265, ClinGen allele CA763768.
Genomic context (GRCh38, chr1:36,013,689, plus strand): 5'-GGTAAGAAGTGCAAATTATGAAACAGATCCATTTGTTCAGGAGTTTCAATTTAAAGTTCG[G>A]GATGAAATGGCTCATGTAACTGGACGCGTACTTCCAGCACCTATGCTCCAGTATGGAGGA-3'
Protein context (NP_079128.2, residues 393-413): PFVQEFQFKV[Arg403=]DEMAHVTGRV

ClinVar aggregate classification (germline): Benign/Likely benign. Review status: criteria provided, multiple submitters, no conflicts (2 of 4 stars). 4 submissions from 4 submitters: Benign (2); Likely benign (1). 1 of the submissions does not count toward it. Last evaluated 2022-04-01.

Conditions:
AGO3-related disorder. Also called: AGO3-related condition.

Allele frequency attached by ClinVar (database versions not stated): gnomAD exomes 0.00439 and 0.00550; ExAC 0.00446; ESP Exome Variant Server 0.00492; 1000 Genomes Project 0.00060; 1000 Genomes Project 30x 0.00094; TOPMed 0.00394; gnomAD 0.00407 and 0.00414.
gnomAD v4.1: 8,742 of 1,614,172 alleles (0.54%); highest among the groups gnomAD compares: Non-Finnish European, 0.63%; 46 homozygotes.

Submissions (4):

CeGaT Center for Human Genetics Tuebingen
Classification: Likely benign. Last evaluated: 2022-04-01. Review status: criteria provided, single submitter. Criteria: CeGaT Center For Human Genetics Tuebingen Variant Classification Criteria Version 2. Collection method: clinical testing. Allele origin: germline. Affected: yes. Observed: 1 variant allele.
Comment: AGO3: BP4, BP7

Labcorp Genetics (formerly Invitae), Labcorp
Classification: Benign. Last evaluated: 2018-11-16. Review status: criteria provided, single submitter. Criteria: Invitae Variant Classification Sherloc (09022015). Collection method: clinical testing. Allele origin: germline.

Breakthrough Genomics
Classification: Benign. Review status: criteria provided, single submitter. Criteria: ACMG Guidelines, 2015. Collection method: not provided. Allele origin: germline. Inheritance: Unknown mechanism. Affected: yes.

PreventionGenetics, part of Exact Sciences
Classification: Benign for AGO3-related condition. Last evaluated: 2019-03-06. Review status: no assertion criteria provided. Collection method: clinical testing. Allele origin: germline. Not counted in ClinVar's aggregate classification.
Comment: This variant is classified as benign based on ACMG/AMP sequence variant interpretation guidelines (Richards et al. 2015 PMID: 25741868, with internal and published modifications).